The following is an entry in ClinVar:

NM_213655.5(WNK1):c.3035C>G (p.Ser1012Cys)

Gene: WNK1 (WNK lysine deficient protein kinase 1; plus strand). Cytogenetic location: 12p13.33.
Variant type: single nucleotide variant.
Coding change: c.3035C>G on transcript NM_213655.5 (MANE Plus Clinical); coding-DNA position 3035, C replaced by G.
Protein change: p.Ser1012Cys; replaces serine 1012 with cysteine.
Molecular consequence: missense variant. On other transcripts: intron variant (2).
Genome position (GRCh38, 1-based): chr12:868,506, C>G. VCF-style: chr12-868506-C-G. GRCh37 (hg19) VCF-style: chr12-977672-C-G.
Other names: c.2780C>G, p.Ser927Cys (NM_001184985.2); c.2140-2759C>G (NM_018979.4, NM_014823.3); short protein forms S1012C, S927C.
Identifiers: ClinVar variation 3760852 (VCV003760852.2).

ClinVar aggregate classification (germline): Uncertain significance (1 of 4 stars; one submission).

Conditions:
Neuropathy, hereditary sensory and autonomic, type 2A (HSAN2A). Also called: ACROOSTEOLYSIS, GIACCAI TYPE; ACROOSTEOLYSIS, NEUROGENIC; MORVAN DISEASE; NEUROPATHY, CONGENITAL SENSORY; NEUROPATHY, HEREDITARY SENSORY RADICULAR, AUTOSOMAL RECESSIVE; NEUROPATHY, HEREDITARY SENSORY, TYPE IIA. Identifiers: Orphanet 970, MedGen C2752089, MONDO:0024309, OMIM 201300.
Pseudohypoaldosteronism type 2C (PHA2C). Also called: Pseudohypoaldosteronism Type IIC. Identifiers: Orphanet 757, Orphanet 88940, MedGen C1840391, MONDO:0013778, OMIM 614492.

gnomAD v4.1: 17 of 1,614,008 alleles (0.0011%); highest among the groups gnomAD compares: Admixed American, 0.0017%; no homozygotes.

Submission:

Labcorp Genetics (formerly Invitae), Labcorp
Classification: Uncertain significance for Neuropathy, hereditary sensory and autonomic, type 2A; Pseudohypoaldosteronism type 2C. Last evaluated: 2025-08-17. Review status: criteria provided, single submitter. Criteria: Invitae Variant Classification Sherloc (09022015). Collection method: clinical testing. Allele origin: germline.
Comment: This sequence change replaces serine, which is neutral and polar, with cysteine, which is neutral and slightly polar, at codon 1012 of the WNK1 protein (p.Ser1012Cys). This variant is present in population databases (rs779721636, gnomAD 0.003%). This variant has not been reported in the literature in individuals affected with WNK1-related conditions. ClinVar contains an entry for this variant (Variation ID: 3760852). Invitae Evidence Modeling of protein sequence and biophysical properties (such as structural, functional, and spatial information, amino acid conservation, physicochemical variation, residue mobility, and thermodynamic stability) indicates that this missense variant is not expected to disrupt WNK1 protein function with a negative predictive value of 95%. In summary, the available evidence is currently insufficient to determine the role of this variant in disease. Therefore, it has been classified as a Variant of Uncertain Significance.